The following is an entry in ClinVar:

NM_007315.4(STAT1):c.274-4C>G

Gene: STAT1 (signal transducer and activator of transcription 1; minus strand). Cytogenetic location: 2q32.2.
Variant type: single nucleotide variant.
Coding change: c.274-4C>G on transcript NM_007315.4 (MANE Select); 4 bases into the intron before coding-DNA position 274, C replaced by G.
Molecular consequence: intron variant.
Genome position (GRCh38, 1-based): chr2:191,007,665, G>C on the plus strand (C>G on the coding strand, the complement: STAT1 is on the minus strand). VCF-style: chr2-191007665-G-C. GRCh37 (hg19) VCF-style: chr2-191872391-G-C.
Other names: c.274-4C>G (NM_001384890.1, NM_001384883.1, NM_001384885.1 and 7 more transcripts); c.310-4C>G (NM_001384891.1); c.280-4C>G (NM_001384884.1, NM_001384881.1).
Identifiers: ClinVar variation 333291 (VCV000333291.17), dbSNP rs377209172, ClinGen allele CA2030278.

ClinVar aggregate classification (germline): Likely benign. Review status: criteria provided, multiple submitters, no conflicts (2 of 4 stars). 3 submissions from 3 submitters: Likely benign (2). 1 of the submissions does not count toward it. Last evaluated 2026-01-27.

Conditions:
Autoimmune enteropathy and endocrinopathy - susceptibility to chronic infections syndrome. Also called: Immunodeficiency 31C; Immunodeficiency 31C, autosomal dominant. Identifiers: Orphanet 391487, MedGen C3279990, MONDO:0013599, OMIM 614162.
Mendelian susceptibility to mycobacterial diseases due to partial STAT1 deficiency. Also called: IMMUNODEFICIENCY 31A, MYCOBACTERIOSIS, AUTOSOMAL DOMINANT; STAT1 DEFICIENCY, AUTOSOMAL DOMINANT; Immunodeficiency 31a. Identifiers: Orphanet 319595, MedGen C4013950, MONDO:0013956, OMIM 614892.
Immunodeficiency 31B. Also called: IMMUNODEFICIENCY 31B, MYCOBACTERIAL AND VIRAL INFECTIONS, AUTOSOMAL RECESSIVE; STAT1 DEFICIENCY, AUTOSOMAL RECESSIVE. Identifiers: Orphanet 391311, MedGen C3151088, MONDO:0013427, OMIM 613796.
STAT1-related disorder. Also called: STAT1-related condition.

Allele frequency attached by ClinVar (database versions not stated): ExAC 0.00006; gnomAD exomes 0.00006 and 0.00014; TOPMed 0.00006; ESP Exome Variant Server 0.00008; gnomAD 0.00010 and 0.00011.
gnomAD v4.1: 221 of 1,595,256 alleles (0.014%); highest among the groups gnomAD compares: Non-Finnish European, 0.018%; no homozygotes.

Submissions (3):

Labcorp Genetics (formerly Invitae), Labcorp
Classification: Likely benign for Mendelian susceptibility to mycobacterial diseases due to partial STAT1 deficiency; Immunodeficiency 31B; Autoimmune enteropathy and endocrinopathy - susceptibility to chronic infections syndrome. Last evaluated: 2026-01-27. Review status: criteria provided, single submitter. Criteria: Invitae Variant Classification Sherloc (09022015). Collection method: clinical testing. Allele origin: germline.

Illumina Laboratory Services, Illumina
Classification: Likely benign for Mendelian susceptibility to mycobacterial diseases due to partial STAT1 deficiency. Last evaluated: 2018-01-13. Review status: criteria provided, single submitter. Criteria: ICSL Variant Classification Criteria 13 December 2019. Collection method: clinical testing. Allele origin: germline.
Comment: This variant was observed in the ICSL laboratory as part of a predisposition screen in an ostensibly healthy population. It had not been previously curated by ICSL or reported in the Human Gene Mutation Database (HGMD: prior to June 1st, 2018), and was therefore a candidate for classification through an automated scoring system. Utilizing variant allele frequency, disease prevalence and penetrance estimates, and inheritance mode, an automated score was calculated to assess if this variant is too frequent to cause the disease. Based on the score and internal cut-off values, a variant classified as likely benign is not then subjected to further curation. The score for this variant resulted in a classification of likely benign for this disease.

PreventionGenetics, part of Exact Sciences
Classification: Likely benign for STAT1-related condition. Last evaluated: 2023-10-18. Review status: no assertion criteria provided. Collection method: clinical testing. Allele origin: germline. Not counted in ClinVar's aggregate classification.
Comment: This variant is classified as likely benign based on ACMG/AMP sequence variant interpretation guidelines (Richards et al. 2015 PMID: 25741868, with internal and published modifications).